The following is an entry in ClinVar:

NM_001165963.4(SCN1A):c.4002+2099G>T

Genes: SCN1A (sodium voltage-gated channel alpha subunit 1; minus strand), LOC102724058 (uncharacterized LOC102724058; plus strand). Cytogenetic location: 2q24.3.
Variant type: single nucleotide variant.
Coding change: c.4002+2099G>T on transcript NM_001165963.4 (MANE Select); 2099 bases into the intron after coding-DNA position 4002, G replaced by T.
Molecular consequence: intron variant.
Genome position (GRCh38, 1-based): chr2:166,007,620, C>A on the plus strand (G>T on the coding strand, the complement: SCN1A is on the minus strand). VCF-style: chr2-166007620-C-A. GRCh37 (hg19) VCF-style: chr2-166864130-C-A.
Other names: c.3969+2099G>T (NM_001353949.2, NM_001353950.2, NM_001353951.2 and 2 more transcripts); c.3918+2099G>T (NM_001353958.2, NM_001353957.2, NM_001165964.3); c.4002+2099G>T (NM_001202435.3, NM_001353948.2); c.3966+2099G>T (NM_001353955.2, NM_001353954.2); c.3915+2099G>T (NM_001353960.2); c.1560+2099G>T (NM_001353961.2).
Identifiers: ClinVar variation 2824508 (VCV002824508.3), dbSNP rs1691831125, ClinGen allele CA1038836681.
Genomic context (GRCh38, chr2:166,007,620, plus strand): 5'-TGAAATACAATAAATGTTTAAAAGCTGTCAGCCAGAAATGTGCATAAAACATGCAAAACA[C>A]AAAGTGCAACGTGATGATAATTTATTTGTTACTTTCTAACTTCTTATCAAGCACTGTACA-3'

ClinVar aggregate classification (germline): Uncertain significance (1 of 4 stars; one submission).

Conditions:
Early-infantile DEE. Also called: Early infantile epileptic encephalopathy; Early infantile epileptic encephalopathy with suppression bursts; Ohtahara syndrome. Identifiers: Orphanet 1934, MedGen C0393706, MONDO:0800491.

Allele frequency attached by ClinVar (database versions not stated): gnomAD 0.00001; TOPMed below 0.00001.
gnomAD v4.1: 1 of 151,300 alleles (0.00066%); highest among the groups gnomAD compares: Non-Finnish European, 0.0015%; no homozygotes.

Submission:

Labcorp Genetics (formerly Invitae), Labcorp
Classification: Uncertain significance for Early-infantile DEE. Last evaluated: 2025-08-20. Review status: criteria provided, single submitter. Criteria: Invitae Variant Classification Sherloc (09022015). Collection method: clinical testing. Allele origin: germline.
Comment: This sequence change falls in intron 20 of the SCN1A gene. It does not directly change the encoded amino acid sequence of the SCN1A protein. However, this sequence change falls within a region encompassing a cryptic exon in the SCN1A gene, in which variants have been shown to alter splicing (PMID: 30526861, 34107977). This variant is not present in population databases (gnomAD no frequency). This variant has been observed in individual(s) with clinical features of developmental and epileptic encephalopathy (internal data). ClinVar contains an entry for this variant (Variation ID: 2824508). Algorithms developed to predict the effect of sequence changes on RNA splicing suggest that this variant is not likely to affect RNA splicing. In summary, the available evidence is currently insufficient to determine the role of this variant in disease. Therefore, it has been classified as a Variant of Uncertain Significance.

Literature cited by the submitters: PubMed 30526861; PubMed 34107977.